The following is an entry in ClinVar:

NM_001358921.2(COQ2):c.841G>A (p.Gly281Ser)

Gene: COQ2 (coenzyme Q2, polyprenyltransferase; minus strand). Cytogenetic location: 4q21.23.
Variant type: single nucleotide variant.
Coding change: c.841G>A on transcript NM_001358921.2 (MANE Select); coding-DNA position 841, G replaced by A.
Protein change: p.Gly281Ser; replaces glycine 281 with serine.
Molecular consequence: missense variant.
Genome position (GRCh38, 1-based): chr4:83,267,696, C>T on the plus strand (G>A on the coding strand, the complement: COQ2 is on the minus strand). VCF-style: chr4-83267696-C-T. GRCh37 (hg19) VCF-style: chr4-84188849-C-T.
Other names: c.991G>A, p.Gly331Ser (NM_015697.9); c.991G>A (NM_015697.8); short protein forms G281S, G331S.
Identifiers: ClinVar variation 2175842 (VCV002175842.5), dbSNP rs758847245, ClinGen allele CA2988494.

ClinVar aggregate classification (germline): Uncertain significance. Review status: criteria provided, multiple submitters, no conflicts (2 of 4 stars). 3 submissions from 3 submitters: Uncertain significance (3). Last evaluated 2024-10-14.

Conditions:
Multiple system atrophy 1, susceptibility to. Also called: MSA1, SUSCEPTIBILITY TO. Identifiers: MedGen C3714927, MONDO:0020715, OMIM 146500.
Coenzyme Q10 deficiency, primary, 1. Also called: UBIQUINONE DEFICIENCY 1; COENZYME Q DEFICIENCY 1; CoQ DEFICIENCY 1. Identifiers: Orphanet 255249, MedGen C3551954, MONDO:0011829, OMIM 607426.

Allele frequency attached by ClinVar (database versions not stated): gnomAD exomes 0.00001; TOPMed 0.00004; gnomAD 0.00005.
gnomAD v4.1: 15 of 1,556,254 alleles (0.00096%); highest among the groups gnomAD compares: African/African-American, 0.012%; no homozygotes.

Submissions (3):

Clinical Genomics Laboratory, Washington University in St. Louis
Classification: Uncertain significance for Coenzyme Q10 deficiency, primary, 1. Last evaluated: 2024-10-14. Review status: criteria provided, single submitter. Criteria: ACMG Guidelines, 2015. Collection method: clinical testing. Allele origin: germline.
Comment: A COQ2 c.841G>A (p.Gly281Ser) variant, also referred to as c.991G>A (p.Gly331Ser) in the literature, was identified. This variant, to our knowledge, has not been identified in the context of renal disease. It is only observed on 3/195,234 alleles in the general population (gnomAD v.2.1.1), indicating it is not a common variant. The COQ2 c.841G>A (p.Gly281Ser) variant has been reported in the ClinVar database as a variant of uncertain significance by a single submitter (ClinVar variation ID: 2175842). Computational predictors are uncertain as to the impact of this variant on COQ2 function. Due to limited information, and based on ACMG/AMP guidelines for variant interpretation (Richards S et al., PMID: 25741868), the clinical significance of this variant is uncertain at this time.

Fulgent Genetics
Classification: Uncertain significance for Multiple system atrophy 1, susceptibility to; Coenzyme Q10 deficiency, primary, 1. Last evaluated: 2024-03-20. Review status: criteria provided, single submitter. Criteria: ACMG Guidelines, 2015. Collection method: clinical testing. Allele origin: germline.

Labcorp Genetics (formerly Invitae), Labcorp
Classification: Uncertain significance. Last evaluated: 2022-03-01. Review status: criteria provided, single submitter. Criteria: Invitae Variant Classification Sherloc (09022015). Collection method: clinical testing. Allele origin: germline.
Comment: This sequence change replaces glycine, which is neutral and non-polar, with serine, which is neutral and polar, at codon 331 of the COQ2 protein (p.Gly331Ser). The frequency data for this variant in the population databases is considered unreliable, as metrics indicate poor data quality at this position in the gnomAD database. This variant has not been reported in the literature in individuals affected with COQ2-related conditions. Algorithms developed to predict the effect of missense changes on protein structure and function are either unavailable or do not agree on the potential impact of this missense change (SIFT: "Deleterious"; PolyPhen-2: "Benign"; Align-GVGD: "Class C0"). In summary, the available evidence is currently insufficient to determine the role of this variant in disease. Therefore, it has been classified as a Variant of Uncertain Significance.